The following is an entry in ClinVar:

NM_005219.5(DIAPH1):c.1594A>G (p.Thr532Ala)

Gene: DIAPH1 (diaphanous related formin 1; minus strand). Cytogenetic location: 5q31.3.
Variant type: single nucleotide variant.
Coding change: c.1594A>G on transcript NM_005219.5 (MANE Select); coding-DNA position 1594, A replaced by G.
Protein change: p.Thr532Ala; replaces threonine 532 with alanine.
Molecular consequence: missense variant.
Genome position (GRCh38, 1-based): chr5:141,575,014, T>C on the plus strand (A>G on the coding strand, the complement: DIAPH1 is on the minus strand). VCF-style: chr5-141575014-T-C. GRCh37 (hg19) VCF-style: chr5-140954581-T-C.
Other names: c.1567A>G, p.Thr523Ala (NM_001079812.3); c.1594A>G, p.Thr532Ala (NM_001314007.2); short protein forms T523A, T532A.
Identifiers: ClinVar variation 904039 (VCV000904039.7), dbSNP rs747462106, ClinGen allele CA3479259.

ClinVar aggregate classification (germline): Uncertain significance. Review status: criteria provided, multiple submitters, no conflicts (2 of 4 stars). 2 submissions from 2 submitters: Uncertain significance (2). Last evaluated 2025-10-01.

Conditions:
Autosomal dominant nonsyndromic hearing loss 1. Also called: DEAFNESS, AUTOSOMAL DOMINANT 1, WITH OR WITHOUT THROMBOCYTOPENIA; KONIGSMARK SYNDROME. Identifiers: Orphanet 90635, MedGen C1852282, MONDO:0007424, OMIM 124900.
Progressive microcephaly-seizures-cortical blindness-developmental delay syndrome. Also called: Seizures, cortical blindness, and microcephaly syndrome. Identifiers: Orphanet 477814, MedGen C5567650, MONDO:0014714, OMIM 616632.

Allele frequency attached by ClinVar (database versions not stated): gnomAD exomes below 0.00001 and 0.00001; ExAC 0.00001; TOPMed 0.00001.
gnomAD v4.1: 2 of 1,614,220 alleles (0.00012%); highest among the groups gnomAD compares: Non-Finnish European, 0.000085%; no homozygotes.

Submissions (2):

Labcorp Genetics (formerly Invitae), Labcorp
Classification: Uncertain significance for Progressive microcephaly-seizures-cortical blindness-developmental delay syndrome; Autosomal dominant nonsyndromic hearing loss 1. Last evaluated: 2025-10-01. Review status: criteria provided, single submitter. Criteria: Invitae Variant Classification Sherloc (09022015). Collection method: clinical testing. Allele origin: germline.
Comment: This sequence change replaces threonine, which is neutral and polar, with alanine, which is neutral and non-polar, at codon 532 of the DIAPH1 protein (p.Thr532Ala). This variant is present in population databases (rs747462106, gnomAD 0.002%). This variant has not been reported in the literature in individuals affected with DIAPH1-related conditions. ClinVar contains an entry for this variant (Variation ID: 904039). Experimental studies and prediction algorithms are not available or were not evaluated, and the functional significance of this variant is currently unknown. In summary, the available evidence is currently insufficient to determine the role of this variant in disease. Therefore, it has been classified as a Variant of Uncertain Significance.

Illumina Laboratory Services, Illumina
Classification: Uncertain significance for Autosomal dominant nonsyndromic hearing loss 1. Last evaluated: 2018-01-13. Review status: criteria provided, single submitter. Criteria: ICSL Variant Classification Criteria 13 December 2019. Collection method: clinical testing. Allele origin: germline.